The following is an entry in ClinVar:

ClinVar aggregate classification (germline): Likely benign. Review status: criteria provided, multiple submitters, no conflicts (2 of 4 stars). 2 submissions from 2 submitters: Likely benign (2). Last evaluated 2026-07-01.

Allele frequency attached by ClinVar (database versions not stated): ExAC 0.00037; ESP Exome Variant Server 0.00017; gnomAD exomes 0.00030 and 0.00033; gnomAD 0.00031; TOPMed 0.00032.
gnomAD v4.1: 518 of 1,613,450 alleles (0.032%); highest among the groups gnomAD compares: Non-Finnish European, 0.041%; no homozygotes.

Submissions (2):

CeGaT Center for Human Genetics Tuebingen
Classification: Likely benign. Last evaluated: 2026-07-01. Review status: criteria provided, single submitter. Criteria: CeGaT Center For Human Genetics Tuebingen Variant Classification Criteria Version 2. Collection method: clinical testing. Allele origin: germline. Affected: yes. Observed: 1 variant allele.
Comment: SNRPN: BP4, BP7

Labcorp Genetics (formerly Invitae), Labcorp
Classification: Likely benign. Last evaluated: 2018-04-06. Review status: criteria provided, single submitter. Criteria: Invitae Variant Classification Sherloc (09022015). Collection method: clinical testing. Allele origin: germline.

NM_003097.6(SNRPN):c.183T>C (p.Arg61=)

Genes: SNHG14 (small nucleolar RNA host gene 14; plus strand), SNRPN (small nuclear ribonucleoprotein polypeptide N; plus strand), SNURF (SNRPN upstream open reading frame; plus strand). Cytogenetic location: 15q11.2.
Variant type: single nucleotide variant.
Coding change: c.183T>C on transcript NM_003097.6 (MANE Select); coding-DNA position 183, T replaced by C.
Protein change: p.Arg61=; no amino-acid change (arginine 61 retained).
Molecular consequence: synonymous variant. On other transcripts: non-coding transcript variant (1), 3 prime UTR variant (1), intron variant (1).
Genome position (GRCh38, 1-based): chr15:24,976,332, T>C. VCF-style: chr15-24976332-T-C. GRCh37 (hg19) VCF-style: chr15-25221479-T-C.
Other names: c.183T>C, p.Arg61= (NM_001349454.2, NM_001349455.2, NM_001349456.2 and 99 more transcripts); c.195T>C, p.Arg65= (NM_001378251.1, NM_001378252.1, NM_001378253.1 and 2 more transcripts); c.159T>C, p.Arg53= (NM_001378256.1, NM_001378257.1, NM_001400767.1); c.*371T>C (NM_005678.5); c.4-545T>C (NM_001400768.1).
Identifiers: ClinVar variation 315452 (VCV000315452.11), dbSNP rs373215950, ClinGen allele CA7431310.